The following is an entry in ClinVar:

NM_000535.7(PMS2):c.2368C>T (p.Leu790=)

Gene: PMS2 (PMS1 homolog 2, mismatch repair system component; minus strand). Cytogenetic location: 7p22.1.
Variant type: single nucleotide variant.
Coding change: c.2368C>T on transcript NM_000535.7 (MANE Select); coding-DNA position 2368, C replaced by T.
Protein change: p.Leu790=; no amino-acid change (leucine 790 retained).
Molecular consequence: synonymous variant. On other transcripts: non-coding transcript variant (1).
Genome position (GRCh38, 1-based): chr7:5,977,665, G>A on the plus strand (C>T on the coding strand, the complement: PMS2 is on the minus strand). VCF-style: chr7-5977665-G-A. GRCh37 (hg19) VCF-style: chr7-6017296-G-A.
Other names: c.2050C>T, p.Leu684= (NM_001322008.2, NM_001322007.2); c.1996C>T, p.Leu666= (NM_001322009.2); c.1807C>T, p.Leu603= (NM_001322010.2); c.1435C>T, p.Leu479= (NM_001322011.2, NM_001322012.2); c.1795C>T, p.Leu599= (NM_001322013.2); c.2401C>T, p.Leu801= (NM_001322014.2); c.2059C>T, p.Leu687= (NM_001322015.2); c.1963C>T, p.Leu655= (NM_001322003.2, NM_001322004.2, NM_001322005.2); and 1 more.
Identifiers: ClinVar variation 702233 (VCV000702233.14), dbSNP rs1583280484, ClinGen allele CA453642392.

ClinVar aggregate classification (germline): Benign/Likely benign. Review status: criteria provided, multiple submitters, no conflicts (2 of 4 stars). 3 submissions from 3 submitters: Benign (1); Likely benign (2). Last evaluated 2025-07-31.

Conditions:
Hereditary nonpolyposis colorectal neoplasms. Identifiers: MedGen C0009405, MeSH D003123.
Lynch syndrome 4 (LYNCH4). Also called: Colorectal cancer, hereditary nonpolyposis, type 4; Hereditary non-polyposis colorectal cancer, type 4. Identifiers: Orphanet 144, MedGen C1838333, MONDO:0013699, OMIM 614337. Disease mechanism: loss of function.
Hereditary cancer-predisposing syndrome. Also called: Hereditary Cancer Syndrome; Tumor predisposition; Neoplastic Syndromes, Hereditary; Hereditary neoplastic syndrome. Identifiers: Orphanet 140162, MedGen C0027672, MeSH D009386, MONDO:0015356.

Submissions (3):

Labcorp Genetics (formerly Invitae), Labcorp
Classification: Likely benign for Hereditary nonpolyposis colorectal neoplasms. Last evaluated: 2025-07-31. Review status: criteria provided, single submitter. Criteria: Invitae Variant Classification Sherloc (09022015). Collection method: clinical testing. Allele origin: germline.

Myriad Genetics, Inc.
Classification: Benign for Lynch syndrome 4. Last evaluated: 2025-02-04. Review status: criteria provided, single submitter. Criteria: Myriad Autosomal Dominant, Autosomal Recessive and X-Linked Classification Criteria (2023). Collection method: clinical testing. Allele origin: unknown.
Comment: This variant is considered benign. This variant is a silent/synonymous amino acid change and it is not expected to impact splicing.

Ambry Genetics
Classification: Likely benign for Hereditary cancer-predisposing syndrome. Last evaluated: 2017-07-08. Review status: criteria provided, single submitter. Criteria: Ambry Variant Classification Scheme 2023. Collection method: clinical testing. Allele origin: germline.